The following is an entry in ClinVar:

ClinVar aggregate classification (germline): Uncertain significance (1 of 4 stars; one submission).

Conditions:
Multiple sulfatase deficiency (MSD). Also called: Mucosulfatidosis; Multiple Sulfatase Deficiency Disease; Sulfatidosis, Juvenile, Austin Type. Identifiers: Orphanet 585, MedGen C0268263, MONDO:0010088, OMIM 272200.

Submission:

Labcorp Genetics (formerly Invitae), Labcorp
Classification: Uncertain significance for Multiple sulfatase deficiency. Last evaluated: 2022-06-15. Review status: criteria provided, single submitter. Criteria: Invitae Variant Classification Sherloc (09022015). Collection method: clinical testing. Allele origin: germline.
Comment: This variant results in a copy number gain of the genomic region encompassing exon(s) 9 of the SUMF1 gene. This region includes the termination codon of the gene. This copy number gain extends beyond the assayed region for this gene and therefore may encompass additional genes. As the precise location of this event is unknown, it may be in tandem or it may be located elsewhere in the genome. This variant has not been reported in the literature in individuals affected with SUMF1-related conditions. In summary, the available evidence is currently insufficient to determine the role of this variant in disease. Therefore, it has been classified as a Variant of Uncertain Significance.

NC_000003.11:g.(?_4403828)_(4403958_?)dup

Gene: SUMF1 (sulfatase modifying factor 1; minus strand). Cytogenetic location: 3p26.1.
Variant type: Duplication.
Identifiers: ClinVar variation 2427594 (VCV002427594.3).